The following is an entry in ClinVar:

NM_152328.5(ADSS1):c.193-4838G>A

Gene: ADSS1 (adenylosuccinate synthase 1; plus strand). Cytogenetic location: 14q32.33.
Variant type: single nucleotide variant.
Coding change: c.193-4838G>A on transcript NM_152328.5 (MANE Select); 4838 bases into the intron before coding-DNA position 193, G replaced by A.
Molecular consequence: intron variant. On other transcripts: 5 prime UTR variant (1), missense variant (1).
Genome position (GRCh38, 1-based): chr14:104,730,182, G>A. VCF-style: chr14-104730182-G-A. GRCh37 (hg19) VCF-style: chr14-105196519-G-A.
Other names: c.-438G>A (NM_001320424.1); c.290G>A, p.Gly97Glu (NM_199165.2); c.290G>A (NM_199165.1); short protein forms G97E.
Identifiers: ClinVar variation 2167818 (VCV002167818.5), dbSNP rs772444147, ClinGen allele CA7373532.

ClinVar aggregate classification (germline): Uncertain significance. Review status: criteria provided, multiple submitters, no conflicts (2 of 4 stars). 2 submissions from 2 submitters: Uncertain significance (2). Last evaluated 2025-08-24.

Conditions:
Inborn genetic diseases. Identifiers: MedGen C0950123, MeSH D030342.

Allele frequency attached by ClinVar (database versions not stated): gnomAD exomes below 0.00001; gnomAD 0.00002; TOPMed 0.00002; ExAC 0.00008.

Submissions (2):

Ambry Genetics
Classification: Uncertain significance for Inborn genetic diseases. Last evaluated: 2025-08-24. Review status: criteria provided, single submitter. Criteria: Ambry Variant Classification Scheme 2023. Collection method: clinical testing. Allele origin: germline.

Labcorp Genetics (formerly Invitae), Labcorp
Classification: Uncertain significance. Last evaluated: 2022-08-09. Review status: criteria provided, single submitter. Criteria: Invitae Variant Classification Sherloc (09022015). Collection method: clinical testing. Allele origin: germline.
Comment: The frequency data for this variant in the population databases is considered unreliable, as metrics indicate poor data quality at this position in the gnomAD database. This variant has not been reported in the literature in individuals affected with ADSSL1-related conditions. Algorithms developed to predict the effect of missense changes on protein structure and function output the following: SIFT: "Not Available"; PolyPhen-2: "Benign"; Align-GVGD: "Not Available". The glutamic acid amino acid residue is found in multiple mammalian species, which suggests that this missense change does not adversely affect protein function. In summary, the available evidence is currently insufficient to determine the role of this variant in disease. Therefore, it has been classified as a Variant of Uncertain Significance. This sequence change replaces glycine, which is neutral and non-polar, with glutamic acid, which is acidic and polar, at codon 97 of the ADSSL1 protein (p.Gly97Glu).